The following is an entry in ClinVar:

ClinVar aggregate classification (germline): Uncertain significance (1 of 4 stars; one submission).

Submission:

Labcorp Genetics (formerly Invitae), Labcorp
Classification: Uncertain significance. Last evaluated: 2024-11-25. Review status: criteria provided, single submitter. Criteria: Invitae Variant Classification Sherloc (09022015). Collection method: clinical testing. Allele origin: germline.
Comment: This variant, c.1400_1402del, results in the deletion of 1 amino acid(s) of the RELB protein (p.Phe467del), but otherwise preserves the integrity of the reading frame. This variant is present in population databases (rs759141508, gnomAD 0.004%). This variant has not been reported in the literature in individuals affected with RELB-related conditions. Experimental studies and prediction algorithms are not available or were not evaluated, and the functional significance of this variant is currently unknown. In summary, the available evidence is currently insufficient to determine the role of this variant in disease. Therefore, it has been classified as a Variant of Uncertain Significance.

NM_006509.4(RELB):c.1397TCT[1] (p.Phe467del)

Gene: RELB (RELB proto-oncogene, NF-kB subunit; plus strand). Cytogenetic location: 19q13.32.
Variant type: Microsatellite.
Coding change: c.1397TCT[1] on transcript NM_006509.4 (MANE Select); one copy of the 3-base unit TCT starting at c.1397; the reference has two copies in a row; one copy, 3 bases deleted.
Protein change: p.Phe467del; deletes phenylalanine 467.
Molecular consequence: inframe deletion.
Genome position (GRCh38, 1-based): chr19:45,037,450-45,037,452, TCT deleted; deleting any 3 consecutive bases within chr19:45,037,445-45,037,452 gives the same sequence; the position shown is the placement nearest the transcript's 3' end. VCF-style (leftmost placement, unchanged base first): chr19-45037444-ACTT-A. GRCh37 (hg19) VCF-style: chr19-45540702-ACTT-A.
Other names: c.1388TCT[1], p.Phe464del (NM_001411087.1); short protein forms F467del, F464del.
Identifiers: ClinVar variation 2966084 (VCV002966084.3), dbSNP rs759141508, ClinGen allele CA9507859.